The following is an entry in ClinVar:

ClinVar aggregate classification (germline): Uncertain significance. Review status: criteria provided, multiple submitters, no conflicts (2 of 4 stars). 2 submissions from 2 submitters: Uncertain significance (2). Last evaluated 2024-12-08.

Conditions:
Erythrocytosis, familial, 3 (ECYT3). Identifiers: Orphanet 247511, MedGen C1853286, MONDO:0012353, OMIM 609820.

Allele frequency attached by ClinVar (database versions not stated): ExAC 0.00002; gnomAD exomes 0.00002 and 0.00003; TOPMed 0.00002; gnomAD 0.00007 and 0.00008.
gnomAD v4.1: 49 of 1,613,094 alleles (0.003%); highest among the groups gnomAD compares: African/African-American, 0.008%; 1 homozygote.

Submissions (2):

Ambry Genetics
Classification: Uncertain significance. Last evaluated: 2024-12-08. Review status: criteria provided, single submitter. Criteria: Ambry Variant Classification Scheme 2023. Collection method: clinical testing. Allele origin: germline.
Comment: The p.S245R variant (also known as c.735T>G), located in coding exon 1 of the EGLN1 gene, results from a T to G substitution at nucleotide position 735. The serine at codon 245 is replaced by arginine, an amino acid with dissimilar properties. This amino acid position is well conserved in available vertebrate species. In addition, this alteration is predicted to be tolerated by in silico analysis. Since supporting evidence is limited at this time, the clinical significance of this alteration remains unclear.

Labcorp Genetics (formerly Invitae), Labcorp
Classification: Uncertain significance for Erythrocytosis, familial, 3. Last evaluated: 2024-07-11. Review status: criteria provided, single submitter. Criteria: Invitae Variant Classification Sherloc (09022015). Collection method: clinical testing. Allele origin: germline.
Comment: This sequence change replaces serine, which is neutral and polar, with arginine, which is basic and polar, at codon 245 of the EGLN1 protein (p.Ser245Arg). This variant is present in population databases (rs764531356, gnomAD 0.01%). This missense change has been observed in individual(s) with elevated hemocrit (PMID: 37317877). ClinVar contains an entry for this variant (Variation ID: 959552). An algorithm developed to predict the effect of missense changes on protein structure and function (PolyPhen-2) suggests that this variant is likely to be tolerated. In summary, the available evidence is currently insufficient to determine the role of this variant in disease. Therefore, it has been classified as a Variant of Uncertain Significance.

Literature cited by the submitters: PubMed 37317877 (cited by Labcorp Genetics (formerly Invitae), Labcorp).

NM_022051.3(EGLN1):c.735T>G (p.Ser245Arg)

Gene: EGLN1 (egl-9 family hypoxia inducible factor 1; minus strand). Cytogenetic location: 1q42.2.
Variant type: single nucleotide variant.
Coding change: c.735T>G on transcript NM_022051.3 (MANE Select); coding-DNA position 735, T replaced by G.
Protein change: p.Ser245Arg; replaces serine 245 with arginine.
Molecular consequence: missense variant.
Genome position (GRCh38, 1-based): chr1:231,421,154, A>C on the plus strand (T>G on the coding strand, the complement: EGLN1 is on the minus strand). VCF-style: chr1-231421154-A-C. GRCh37 (hg19) VCF-style: chr1-231556900-A-C.
Other names: c.735T>G, p.Ser245Arg (NM_001377260.1, NM_001377261.1); short protein forms S245R.
Identifiers: ClinVar variation 959552 (VCV000959552.10), dbSNP rs764531356, ClinGen allele CA1453116.